The following is an entry in ClinVar:

NM_000532.5(PCCB):c.170C>T (p.Ala57Val)

Gene: PCCB (propionyl-CoA carboxylase subunit beta; plus strand). Cytogenetic location: 3q22.3.
Variant type: single nucleotide variant.
Coding change: c.170C>T on transcript NM_000532.5 (MANE Select); coding-DNA position 170, C replaced by T.
Protein change: p.Ala57Val; replaces alanine 57 with valine.
Molecular consequence: missense variant.
Genome position (GRCh38, 1-based): chr3:136,250,545, C>T. VCF-style: chr3-136250545-C-T. GRCh37 (hg19) VCF-style: chr3-135969387-C-T.
Other names: c.170C>T, p.Ala57Val (NM_001178014.2); short protein forms A57V.
Identifiers: ClinVar variation 2174325 (VCV002174325.1), dbSNP rs200636968, ClinGen allele CA2631594.

ClinVar aggregate classification (germline): Uncertain significance (1 of 4 stars; one submission).

Conditions:
Propionic acidemia (PROP). Also called: GLYCINEMIA, KETOTIC; HYPERGLYCINEMIA WITH KETOACIDOSIS AND LEUKOPENIA; KETOTIC HYPERGLYCINEMIA. Identifiers: Orphanet 35, MedGen C0268579, MONDO:0011628, OMIM 606054, HP:0003571.

Allele frequency attached by ClinVar (database versions not stated): ExAC 0.00001; TOPMed 0.00001.
gnomAD v4.1: 1 of 1,612,338 alleles (0.000062%); highest among the groups gnomAD compares: Non-Finnish European, 0.000085%; no homozygotes.

Submission:

Labcorp Genetics (formerly Invitae), Labcorp
Classification: Uncertain significance for Propionic acidemia. Last evaluated: 2022-05-28. Review status: criteria provided, single submitter. Criteria: Invitae Variant Classification Sherloc (09022015). Collection method: clinical testing. Allele origin: germline.
Comment: This sequence change replaces alanine, which is neutral and non-polar, with valine, which is neutral and non-polar, at codon 57 of the PCCB protein (p.Ala57Val). The frequency data for this variant in the population databases is considered unreliable, as metrics indicate poor data quality at this position in the gnomAD database. This variant has not been reported in the literature in individuals affected with PCCB-related conditions. Advanced modeling of protein sequence and biophysical properties (such as structural, functional, and spatial information, amino acid conservation, physicochemical variation, residue mobility, and thermodynamic stability) performed at Invitae indicates that this missense variant is not expected to disrupt PCCB protein function. In summary, the available evidence is currently insufficient to determine the role of this variant in disease. Therefore, it has been classified as a Variant of Uncertain Significance.